The following is an entry in ClinVar:

ClinVar aggregate classification (germline): Uncertain significance (1 of 4 stars; one submission).

Conditions:
Distal myopathy with posterior leg and anterior hand involvement. Also called: WILLIAMS DISTAL MYOPATHY. Identifiers: Orphanet 63273, MedGen C3279722, MONDO:0013550, OMIM 614065.
Myofibrillar myopathy 5. Also called: FILAMINOPATHY, AUTOSOMAL DOMINANT; Filaminopathy (type). Identifiers: Orphanet 171445, MedGen C1836050, MONDO:0012289, OMIM 609524.
Hypertrophic cardiomyopathy 26. Also called: Cardiomyopathy, familial hypertrophic, 26. Identifiers: Orphanet 75249, MedGen C4310749, MONDO:0014883, OMIM 617047.

Allele frequency attached by ClinVar (database versions not stated): gnomAD exomes below 0.00001.
gnomAD v4.1: 1 of 1,614,124 alleles (0.000062%); highest among the groups gnomAD compares: African/African-American, 0.0013%; no homozygotes.

Submission:

Labcorp Genetics (formerly Invitae), Labcorp
Classification: Uncertain significance for Distal myopathy with posterior leg and anterior hand involvement; Myofibrillar myopathy 5; Hypertrophic cardiomyopathy 26. Last evaluated: 2025-08-30. Review status: criteria provided, single submitter. Criteria: Invitae Variant Classification Sherloc (09022015). Collection method: clinical testing. Allele origin: germline.
Comment: This sequence change replaces lysine, which is basic and polar, with glutamine, which is neutral and polar, at codon 901 of the FLNC protein (p.Lys901Gln). This variant is not present in population databases (gnomAD no frequency). This variant has not been reported in the literature in individuals affected with FLNC-related conditions. ClinVar contains an entry for this variant (Variation ID: 1398989). Invitae Evidence Modeling of protein sequence and biophysical properties (such as structural, functional, and spatial information, amino acid conservation, physicochemical variation, residue mobility, and thermodynamic stability) has been performed for this missense variant. However, the output from this modeling did not meet the statistical confidence thresholds required to predict the impact of this variant on FLNC protein function. In summary, the available evidence is currently insufficient to determine the role of this variant in disease. Therefore, it has been classified as a Variant of Uncertain Significance.

NM_001458.5(FLNC):c.2701A>C (p.Lys901Gln)

Gene: FLNC (filamin C; plus strand). Cytogenetic location: 7q32.1.
Variant type: single nucleotide variant.
Coding change: c.2701A>C on transcript NM_001458.5 (MANE Select); coding-DNA position 2701, A replaced by C.
Protein change: p.Lys901Gln; replaces lysine 901 with glutamine.
Molecular consequence: missense variant.
Genome position (GRCh38, 1-based): chr7:128,843,467, A>C. VCF-style: chr7-128843467-A-C. GRCh37 (hg19) VCF-style: chr7-128483521-A-C.
Other names: c.2701A>C, p.Lys901Gln (NM_001127487.2); short protein forms K901Q.
Identifiers: ClinVar variation 1398989 (VCV001398989.8), dbSNP rs2128935990, ClinGen allele CA369192949.
Genomic context (GRCh38, chr7:128,843,467, plus strand): 5'-GGTGTGGAAGTCGGGAAGCCCACCCACTTCACGGTGCTGACCAAGGGAGCCGGCAAGGCC[A>C]AGCTGGATGTGCAGTTTGCAGGGACAGCCAAGGGCGAGGTTGTGCGGGACTTTGAGATCA-3'
Protein context (NP_001449.3, residues 891-911): TVLTKGAGKA[Lys901Gln]LDVQFAGTAK